The following is an entry in ClinVar:

ClinVar aggregate classification (germline): Likely pathogenic (1 of 4 stars; one submission).

Allele frequency attached by ClinVar (database versions not stated): gnomAD exomes below 0.00001.
gnomAD v4.1: 1 of 1,603,648 alleles (0.000062%); highest among the groups gnomAD compares: East Asian, 0.0023%; no homozygotes.

Submission:

Labcorp Genetics (formerly Invitae), Labcorp
Classification: Likely pathogenic. Last evaluated: 2023-07-16. Review status: criteria provided, single submitter. Criteria: Invitae Variant Classification Sherloc (09022015). Collection method: clinical testing. Allele origin: germline.
Comment: Algorithms developed to predict the effect of sequence changes on RNA splicing suggest that this variant may disrupt the consensus splice site. In summary, the currently available evidence indicates that the variant is pathogenic, but additional data are needed to prove that conclusively. Therefore, this variant has been classified as Likely Pathogenic. This variant has not been reported in the literature in individuals affected with MYO15A-related conditions. This variant is not present in population databases (gnomAD no frequency). This sequence change affects a donor splice site in intron 38 of the MYO15A gene. It is expected to disrupt RNA splicing. Variants that disrupt the donor or acceptor splice site typically lead to a loss of protein function (PMID: 16199547), and loss-of-function variants in MYO15A are known to be pathogenic (PMID: 17546645).

Literature cited by the submitters: PubMed 16199547; PubMed 17546645.

NM_016239.4(MYO15A):c.7473+1G>C

Gene: MYO15A (myosin XVA; plus strand). Cytogenetic location: 17p11.2.
Variant type: single nucleotide variant.
Coding change: c.7473+1G>C on transcript NM_016239.4 (MANE Select); the canonical splice donor site of the intron after coding-DNA position 7473, G replaced by C.
Molecular consequence: splice donor variant.
Genome position (GRCh38, 1-based): chr17:18,150,914, G>C. VCF-style: chr17-18150914-G-C. GRCh37 (hg19) VCF-style: chr17-18054228-G-C.
Identifiers: ClinVar variation 2743607 (VCV002743607.3), dbSNP rs2545285184, ClinGen allele CA398618587.
Genomic context (GRCh38, chr17:18,150,914, plus strand): 5'-CAGGCCACGGCACTCCAGCAGCAGCCCCTGAGTGCTGCCCTGAGATCCTTGCCCGCAGAG[G>C]TGAGCCTGGCCTGCCCAGGGTGCAGGGGTTGCTTGGAGACACAAGCTGTAAAGAGGAATG-3'